The following is an entry in ClinVar:

ClinVar aggregate classification (germline): Uncertain significance (1 of 4 stars; one submission).

Submission:

Labcorp Genetics (formerly Invitae), Labcorp
Classification: Uncertain significance. Last evaluated: 2024-12-18. Review status: criteria provided, single submitter. Criteria: Invitae Variant Classification Sherloc (09022015). Collection method: clinical testing. Allele origin: germline.
Comment: This sequence change falls in intron 21 of the RASA2 gene. It does not directly change the encoded amino acid sequence of the RASA2 protein. It affects a nucleotide within the consensus splice site. This variant is not present in population databases (gnomAD no frequency). This variant has not been reported in the literature in individuals affected with RASA2-related conditions. Variants that disrupt the consensus splice site are a relatively common cause of aberrant splicing (PMID: 17576681, 9536098). Algorithms developed to predict the effect of sequence changes on RNA splicing suggest that this variant may disrupt the consensus splice site. In summary, the available evidence is currently insufficient to determine the role of this variant in disease. Therefore, it has been classified as a Variant of Uncertain Significance.

Literature cited by the submitters: PubMed 17576681; PubMed 9536098.

NM_006506.5(RASA2):c.2225+3A>T

Gene: RASA2 (RAS p21 protein activator 2; plus strand). Cytogenetic location: 3q23.
Variant type: single nucleotide variant.
Coding change: c.2225+3A>T on transcript NM_006506.5 (MANE Select); 3 bases into the intron after coding-DNA position 2225, A replaced by T.
Molecular consequence: intron variant.
Genome position (GRCh38, 1-based): chr3:141,608,700, A>T. VCF-style: chr3-141608700-A-T. GRCh37 (hg19) VCF-style: chr3-141327542-A-T.
Other names: c.2228+3A>T (NM_001303245.3); c.2237+3A>T (NM_001303246.3).
Identifiers: ClinVar variation 3727550 (VCV003727550.2).
Genomic context (GRCh38, chr3:141,608,700, plus strand): 5'-ATTGGCTCTGCTGTCAGGAGACTGGTGAAAACACTCTCGGCTGCAAGCCATGTACTGCGT[A>T]AGTTTCTTTCTGATTATAAAAGCAGTGTGTCAAAATTTGATATATCCATGCAATGTTAAT-3'